The following is an entry in ClinVar:

ClinVar aggregate classification (germline): Uncertain significance (1 of 4 stars; one submission).

Submission:

GeneDx
Classification: Uncertain significance. Last evaluated: 2026-03-10. Review status: criteria provided, single submitter. Criteria: GeneDx Variant Classification Process June 2021. Collection method: clinical testing. Allele origin: germline.
Comment: Not observed at significant frequency in large population cohorts (gnomAD); In silico analysis suggests that this missense variant does not alter protein structure/function; Has not been previously published as pathogenic or benign to our knowledge

NM_004963.4(GUCY2C):c.2985G>C (p.Glu995Asp)

Genes: GUCY2C (guanylate cyclase 2C; minus strand), PLBD1-AS1 (PLBD1 antisense RNA 1; plus strand). Cytogenetic location: 12p12.3.
Variant type: single nucleotide variant.
Coding change: c.2985G>C on transcript NM_004963.4 (MANE Select); coding-DNA position 2985, G replaced by C.
Protein change: p.Glu995Asp; replaces glutamic acid 995 with aspartic acid.
Molecular consequence: missense variant.
Genome position (GRCh38, 1-based): chr12:14,614,929, C>G on the plus strand (G>C on the coding strand, the complement: GUCY2C is on the minus strand). VCF-style: chr12-14614929-C-G. GRCh37 (hg19) VCF-style: chr12-14767863-C-G.
Other names: short protein forms E995D.
Identifiers: ClinVar variation 5008906 (VCV005008906.1).